The following is an entry in ClinVar:

ClinVar aggregate classification (germline): Uncertain significance (1 of 4 stars; one submission).

Conditions:
Eichsfeld type congenital muscular dystrophy (CMYO3). Also called: MYOPATHY, SEPN1-RELATED; Rigid spine muscular dystrophy 1; SELENON-related myopathy; Congenital myopathy 3 with rigid spine. Identifiers: MedGen C0410180, MONDO:0100100, OMIM 602771.

Allele frequency attached by ClinVar (database versions not stated): gnomAD exomes below 0.00001; gnomAD 0.00001; TOPMed 0.00001.
gnomAD v4.1: 6 of 1,608,740 alleles (0.00037%); highest among the groups gnomAD compares: African/African-American, 0.0013%; no homozygotes.

Submission:

Labcorp Genetics (formerly Invitae), Labcorp
Classification: Uncertain significance for Eichsfeld type congenital muscular dystrophy. Last evaluated: 2025-02-10. Review status: criteria provided, single submitter. Criteria: Invitae Variant Classification Sherloc (09022015). Collection method: clinical testing. Allele origin: germline.
Comment: This sequence change falls in intron 9 of the SELENON gene. It does not directly change the encoded amino acid sequence of the SELENON protein. It affects a nucleotide within the consensus splice site. This variant is not present in population databases (gnomAD no frequency). This variant has not been reported in the literature in individuals affected with SELENON-related conditions. ClinVar contains an entry for this variant (Variation ID: 1979643). Variants that disrupt the consensus splice site are a relatively common cause of aberrant splicing (PMID: 17576681, 9536098). Algorithms developed to predict the effect of sequence changes on RNA splicing suggest that this variant is not likely to affect RNA splicing. In summary, the available evidence is currently insufficient to determine the role of this variant in disease. Therefore, it has been classified as a Variant of Uncertain Significance.

Literature cited by the submitters: PubMed 17576681; PubMed 9536098.

NM_206926.2(SELENON):c.1180-3C>T

Gene: SELENON (selenoprotein N; plus strand). Cytogenetic location: 1p36.11.
Variant type: single nucleotide variant.
Coding change: c.1180-3C>T on transcript NM_206926.2 (MANE Select); 3 bases into the intron before coding-DNA position 1180, C replaced by T.
Molecular consequence: intron variant.
Genome position (GRCh38, 1-based): chr1:25,812,684, C>T. VCF-style: chr1-25812684-C-T. GRCh37 (hg19) VCF-style: chr1-26139175-C-T.
Other names: c.1282-3C>T (NM_020451.3).
Identifiers: ClinVar variation 1979643 (VCV001979643.4), dbSNP rs1040390429, ClinGen allele CA19698934.